The following is an entry in ClinVar:

NM_000179.3(MSH6):c.1512del (p.Lys504fs)

Gene: MSH6 (mutS homolog 6; plus strand). Cytogenetic location: 2p16.3.
Variant type: Deletion.
Coding change: c.1512del on transcript NM_000179.3 (MANE Select); coding-DNA position 1512, one base deleted (G; older notation c.1512delG).
Protein change: p.Lys504fs; shifts the reading frame from lysine 504.
Molecular consequence: frameshift variant.
Genome position (GRCh38, 1-based): chr2:47,799,495, G deleted. VCF-style (leftmost placement, unchanged base first): chr2-47799494-AG-A. GRCh37 (hg19) VCF-style: chr2-48026633-AG-A.
Other names: c.1122del, p.Lys374fs (NM_001281492.2); c.606del, p.Lys202fs (NM_001281493.2, NM_001281494.2); c.1512delG (NM_000179.2); short protein forms K374fs, K504fs, K202fs.
Identifiers: ClinVar variation 652925 (VCV000652925.8), dbSNP rs1572723270, ClinGen allele CA915943916.

ClinVar aggregate classification (germline): Pathogenic. Review status: criteria provided, multiple submitters, no conflicts (2 of 4 stars). 2 submissions from 2 submitters: Pathogenic (2). Last evaluated 2023-06-26.

Conditions:
Hereditary nonpolyposis colorectal neoplasms. Identifiers: MedGen C0009405, MeSH D003123.
Hereditary nonpolyposis colon cancer (HNPCC). Also called: Hereditary Nonpolyposis Colorectal Cancer Syndrome; Hereditary nonpolyposis colorectal cancer; Familial nonpolyposis colon cancer. Identifiers: Orphanet 443909, MedGen C1333990, MONDO:0018630. Disease mechanism: loss of function.

Submissions (2):

Women's Health and Genetics/Laboratory Corporation of America, LabCorp
Classification: Pathogenic for Hereditary nonpolyposis colon cancer. Last evaluated: 2023-06-26. Review status: criteria provided, single submitter. Criteria: LabCorp Variant Classification Summary - May 2015. Collection method: clinical testing. Allele origin: germline.
Comment: Variant summary: MSH6 c.1512delG (p.Lys504AsnfsX6) results in a premature termination codon, predicted to cause a truncation of the encoded protein or absence of the protein due to nonsense mediated decay, which are commonly known mechanisms for disease. Variants downstream of this position have been classified as pathogenic by our laboratory. The variant was absent in 251200 control chromosomes (gnomAD). To our knowledge, no occurrence of c.1512delG in individuals affected with Lynch Syndrome and no experimental evidence demonstrating its impact on protein function have been reported. One submitter has cited clinical-significance assessments for this variant to ClinVar after 2014 and has classified the variant as pathogenic. Based on the evidence outlined above, the variant was classified as pathogenic.

Labcorp Genetics (formerly Invitae), Labcorp
Classification: Pathogenic for Hereditary nonpolyposis colorectal neoplasms. Last evaluated: 2018-08-22. Review status: criteria provided, single submitter. Criteria: Invitae Variant Classification Sherloc (09022015). Collection method: clinical testing. Allele origin: germline.
Comment: For these reasons, this variant has been classified as Pathogenic. This sequence change creates a premature translational stop signal (p.Lys504Asnfs*6) in the MSH6 gene. It is expected to result in an absent or disrupted protein product. This variant is not present in population databases (ExAC no frequency). This variant has not been reported in the literature in individuals with MSH6-related disease. Loss-of-function variants in MSH6 are known to be pathogenic (PMID: 18269114, 24362816).

Literature cited by the submitters: PubMed 18269114 (cited by Labcorp Genetics (formerly Invitae), Labcorp); PubMed 24362816 (cited by Labcorp Genetics (formerly Invitae), Labcorp).